The following is an entry in ClinVar:

NM_177438.3(DICER1):c.2414T>C (p.Leu805Pro)

Gene: DICER1 (dicer 1, ribonuclease III; minus strand). Cytogenetic location: 14q32.13.
Variant type: single nucleotide variant.
Coding change: c.2414T>C on transcript NM_177438.3 (MANE Select); coding-DNA position 2414, T replaced by C.
Protein change: p.Leu805Pro; replaces leucine 805 with proline.
Molecular consequence: missense variant.
Genome position (GRCh38, 1-based): chr14:95,108,346, A>G on the plus strand (T>C on the coding strand, the complement: DICER1 is on the minus strand). VCF-style: chr14-95108346-A-G. GRCh37 (hg19) VCF-style: chr14-95574683-A-G.
Other names: c.2414T>C, p.Leu805Pro (NM_001195573.1, NM_001271282.3, NM_001291628.2 and 1 more transcripts); short protein forms L805P.
Identifiers: ClinVar variation 933014 (VCV000933014.3), dbSNP rs1891644496, ClinGen allele CA390882092.
Genomic context (GRCh38, chr14:95,108,346, plus strand): 5'-GACGTTTTTGACATAAGTACTCATTATGAAATACCTACCTGAGGTATGGGTTTGGCCGTC[A>G]GTATTCCAAAGCATCTTGTGGTATCTTCAGGAGGATAGAGCTTCCGCCTTCTAAAGTTGA-3'
Protein context (NP_803187.1, residues 795-815): PEDTTRCFGI[Leu805Pro]TAKPIPQIPH

ClinVar aggregate classification (germline): Likely pathogenic (1 of 4 stars; one submission).

Conditions:
DICER1-related tumor predisposition. Also called: DICER1-related pleuropulmonary blastoma cancer predisposition syndrome; DICER1 syndrome. Identifiers: Orphanet 284343, MedGen C3839822, MONDO:0100216.

Submission:

Foulkes Cancer Genetics LDI, Lady Davis Institute for Medical Research
Classification: Likely pathogenic for Pleuropulmonary blastoma. Last evaluated: 2019-07-01. Review status: criteria provided, single submitter. Criteria: ACMG Guidelines, 2015. Collection method: curation. Allele origin: germline. Affected: yes. Observed: 1 variant allele.
Comment: ACMG criteria met: PS3, PM2, PP3, BP1

Literature cited by the submitters: PubMed 29351919.